The following is an entry in ClinVar:

NM_033305.3(VPS13A):c.6667C>A (p.Arg2223Ser)

Gene: VPS13A (vacuolar protein sorting 13 homolog A; plus strand). Cytogenetic location: 9q21.2.
Variant type: single nucleotide variant.
Coding change: c.6667C>A on transcript NM_033305.3 (MANE Select); coding-DNA position 6667, C replaced by A.
Protein change: p.Arg2223Ser; replaces arginine 2223 with serine.
Molecular consequence: missense variant.
Genome position (GRCh38, 1-based): chr9:77,339,804, C>A. VCF-style: chr9-77339804-C-A. GRCh37 (hg19) VCF-style: chr9-79954720-C-A.
Other names: c.6550C>A, p.Arg2184Ser (NM_001018037.2); c.6667C>A, p.Arg2223Ser (NM_001018038.3, NM_015186.4); short protein forms R2184S, R2223S.
Identifiers: ClinVar variation 2861718 (VCV002861718.3), dbSNP rs772152953, ClinGen allele CA373851335.

ClinVar aggregate classification (germline): Uncertain significance (1 of 4 stars; one submission).

Submission:

Labcorp Genetics (formerly Invitae), Labcorp
Classification: Uncertain significance. Last evaluated: 2023-09-29. Review status: criteria provided, single submitter. Criteria: Invitae Variant Classification Sherloc (09022015). Collection method: clinical testing. Allele origin: germline.
Comment: This variant has not been reported in the literature in individuals affected with VPS13A-related conditions. This variant is not present in population databases (gnomAD no frequency). This sequence change replaces arginine, which is basic and polar, with serine, which is neutral and polar, at codon 2223 of the VPS13A protein (p.Arg2223Ser). Advanced modeling of protein sequence and biophysical properties (such as structural, functional, and spatial information, amino acid conservation, physicochemical variation, residue mobility, and thermodynamic stability) performed at Invitae indicates that this missense variant is expected to disrupt VPS13A protein function. In summary, the available evidence is currently insufficient to determine the role of this variant in disease. Therefore, it has been classified as a Variant of Uncertain Significance.